The following is an entry in ClinVar:

ClinVar aggregate classification (germline): Uncertain significance. Review status: criteria provided, multiple submitters, no conflicts (2 of 4 stars). 2 submissions from 2 submitters: Uncertain significance (2). Last evaluated 2025-08-23.

Conditions:
Inborn genetic diseases. Identifiers: MedGen C0950123, MeSH D030342.
REST-related disorder. Also called: REST-related condition.

gnomAD v4.1: 2 of 1,614,220 alleles (0.00012%); highest among the groups gnomAD compares: Admixed American, 0.0033%; no homozygotes.

Submissions (2):

Ambry Genetics
Classification: Uncertain significance for Inborn genetic diseases. Last evaluated: 2025-08-23. Review status: criteria provided, single submitter. Criteria: Ambry Variant Classification Scheme 2023. Collection method: clinical testing. Allele origin: germline.

PreventionGenetics, part of Exact Sciences
Classification: Uncertain significance for REST-related condition. Last evaluated: 2025-01-25. Review status: criteria provided, single submitter. Criteria: ACMG Guidelines, 2015. Collection method: clinical testing. Allele origin: germline.
Comment: The REST c.375T>G variant is predicted to result in the amino acid substitution p.Phe125Leu. To our knowledge, this variant has not been reported in the literature. It is reported in 0.0058% of alleles in individuals of Latino descent in gnomAD. At this time, the clinical significance of this variant is uncertain due to the absence of conclusive functional and genetic evidence.

NM_005612.5(REST):c.375T>G (p.Phe125Leu)

Gene: REST (RE1 silencing transcription factor; plus strand). Cytogenetic location: 4q12.
Variant type: single nucleotide variant.
Coding change: c.375T>G on transcript NM_005612.5 (MANE Select); coding-DNA position 375, T replaced by G.
Protein change: p.Phe125Leu; replaces phenylalanine 125 with leucine.
Molecular consequence: missense variant.
Genome position (GRCh38, 1-based): chr4:56,911,013, T>G. VCF-style: chr4-56911013-T-G. GRCh37 (hg19) VCF-style: chr4-57777179-T-G.
Other names: c.375T>G, p.Phe125Leu (NM_001193508.2, NM_001363453.3); short protein forms F125L.
Identifiers: ClinVar variation 3358339 (VCV003358339.3).